The following is an entry in ClinVar:

NM_024598.4(USB1):c.664C>G (p.Leu222Val)

Gene: USB1 (U6 snRNA biogenesis phosphodiesterase 1; plus strand). Cytogenetic location: 16q21.
Variant type: single nucleotide variant.
Coding change: c.664C>G on transcript NM_024598.4 (MANE Select); coding-DNA position 664, C replaced by G.
Protein change: p.Leu222Val; replaces leucine 222 with valine.
Molecular consequence: missense variant.
Genome position (GRCh38, 1-based): chr16:58,019,026, C>G. VCF-style: chr16-58019026-C-G. GRCh37 (hg19) VCF-style: chr16-58052930-C-G.
Other names: c.610C>G, p.Leu204Val (NM_001195302.2); c.511C>G, p.Leu171Val (NM_001330568.2); short protein forms L204V, L171V, L222V.
Identifiers: ClinVar variation 3813864 (VCV003813864.1).
Genomic context (GRCh38, chr16:58,019,026, plus strand): 5'-CCCCAGGATCCTTCTTTCCACCTCAGCCTGGCCTGGTGTGTGGGTGATGCACGTCTCCAG[C>G]TGGAGGGGCAGTGCCTGCAGGAACTACAGGTGAATTTCCAGGGCGGGAGCACAGAGGGCG-3'
Protein context (NP_078874.2, residues 212-232): AWCVGDARLQ[Leu222Val]EGQCLQELQA

ClinVar aggregate classification (germline): Uncertain significance (1 of 4 stars; one submission).

Conditions:
Inborn genetic diseases. Identifiers: MedGen C0950123, MeSH D030342.

Submission:

Ambry Genetics
Classification: Uncertain significance for Inborn genetic diseases. Last evaluated: 2024-12-22. Review status: criteria provided, single submitter. Criteria: Ambry Variant Classification Scheme 2023. Collection method: clinical testing. Allele origin: germline.
Comment: The p.L222V variant (also known as c.664C>G), located in coding exon 6 of the USB1 gene, results from a C to G substitution at nucleotide position 664. The leucine at codon 222 is replaced by valine, an amino acid with highly similar properties. This amino acid position is conserved. In addition, this alteration is predicted to be tolerated by in silico analysis. Based on the available evidence, the clinical significance of this variant remains unclear.